The following is an entry in ClinVar:

ClinVar aggregate classification (germline): Uncertain significance (1 of 4 stars; one submission).

Submission:

Labcorp Genetics (formerly Invitae), Labcorp
Classification: Uncertain significance. Last evaluated: 2022-03-31. Review status: criteria provided, single submitter. Criteria: Invitae Variant Classification Sherloc (09022015). Collection method: clinical testing. Allele origin: germline.
Comment: In summary, the available evidence is currently insufficient to determine the role of this variant in disease. Therefore, it has been classified as a Variant of Uncertain Significance. Algorithms developed to predict the effect of missense changes on protein structure and function are either unavailable or do not agree on the potential impact of this missense change (SIFT: "Deleterious"; PolyPhen-2: "Probably Damaging"; Align-GVGD: "Class C0"). This variant has not been reported in the literature in individuals affected with TONSL-related conditions. This variant is not present in population databases (gnomAD no frequency). This sequence change replaces arginine, which is basic and polar, with cysteine, which is neutral and slightly polar, at codon 5 of the TONSL protein (p.Arg5Cys).

NM_013432.5(TONSL):c.13C>T (p.Arg5Cys)

Genes: TONSL (tonsoku like, DNA repair protein; minus strand), LOC130001399 (ATAC-STARR-seq lymphoblastoid silent region 19685; plus strand). Cytogenetic location: 8q24.3.
Variant type: single nucleotide variant.
Coding change: c.13C>T on transcript NM_013432.5 (MANE Select); coding-DNA position 13, C replaced by T.
Protein change: p.Arg5Cys; replaces arginine 5 with cysteine.
Molecular consequence: missense variant.
Genome position (GRCh38, 1-based): chr8:144,444,402, G>A on the plus strand (C>T on the coding strand, the complement: TONSL is on the minus strand). VCF-style: chr8-144444402-G-A. GRCh37 (hg19) VCF-style: chr8-145669785-G-A.
Other names: short protein forms R5C.
Identifiers: ClinVar variation 2120015 (VCV002120015.4), dbSNP rs530240011, ClinGen allele CA372680181.